The following is an entry in ClinVar:

ClinVar aggregate classification (germline): Uncertain significance (0 of 4 stars; one submission).

Allele frequency attached by ClinVar (database versions not stated): gnomAD exomes 0.00014 and 0.00026; TOPMed 0.00016; gnomAD 0.00017 and 0.00019; ExAC 0.00018; 1000 Genomes Project 0.00040; ESP Exome Variant Server 0.00042; 1000 Genomes Project 30x 0.00047.
gnomAD v4.1: 403 of 1,611,416 alleles (0.025%); highest among the groups gnomAD compares: Non-Finnish European, 0.032%; no homozygotes.

Submission:

Department of Pathology and Laboratory Medicine, Sinai Health System
Classification: Uncertain significance. Review status: no assertion criteria provided. Collection method: clinical testing. Allele origin: unknown. Affected: yes. Study: The Canadian Open Genetics Repository (COGR).
Comment: The TRPM7 p.Trp887Arg variant was not identified in the literature nor was it identified in ClinVar. The variant was identified in dbSNP (ID: rs35648842). The variant was identified in control databases in 43 of 278630 chromosomes at a frequency of 0.0001543 (Genome Aggregation Database March 6, 2019, v2.1.1). The variant was observed in the following populations: European (non-Finnish) in 35 of 128106 chromosomes (freq: 0.000273), African in 4 of 24102 chromosomes (freq: 0.000166), Latino in 4 of 34454 chromosomes (freq: 0.000116), but was not observed in the Ashkenazi Jewish, East Asian, European (Finnish), Other, or South Asian populations. The p.Trp887 residue is conserved in mammals and computational analyses (PolyPhen-2, SIFT, AlignGVGD, BLOSUM, MutationTaster) provide inconsistent predictions regarding the impact to the protein; this information is not very predictive of pathogenicity. The variant occurs outside of the splicing consensus sequence and in silico or computational prediction software programs (SpliceSiteFinder, MaxEntScan, NNSPLICE, GeneSplicer) do not predict a difference in splicing. In summary, based on the above information the clinical significance of this variant cannot be determined with certainty at this time. This variant is classified as a variant of uncertain significance.

NM_017672.6(TRPM7):c.2659T>A (p.Trp887Arg)

Gene: TRPM7 (transient receptor potential cation channel subfamily M member 7; minus strand). Cytogenetic location: 15q21.2.
Variant type: single nucleotide variant.
Coding change: c.2659T>A on transcript NM_017672.6 (MANE Select); coding-DNA position 2659, T replaced by A.
Protein change: p.Trp887Arg; replaces tryptophan 887 with arginine.
Molecular consequence: missense variant. On other transcripts: non-coding transcript variant (3).
Genome position (GRCh38, 1-based): chr15:50,607,250, A>T on the plus strand (T>A on the coding strand, the complement: TRPM7 is on the minus strand). VCF-style: chr15-50607250-A-T. GRCh37 (hg19) VCF-style: chr15-50899447-A-T.
Other names: c.2659T>A, p.Trp887Arg (NM_001301212.2); short protein forms W887R.
Identifiers: ClinVar variation 1049930 (VCV001049930.1), dbSNP rs35648842, ClinGen allele CA7557367.
Genomic context (GRCh38, chr15:50,607,250, plus strand): 5'-AAAGACATACCTCACGGACTTTCTCAATGGCATAAGTAAAAATATAAGCAATAACAATCC[A>T]TTCTTGAACTGAAGGTAACTGTTCCATTTGTACAAGAACCACAAATGTATAAAGCATCAG-3'
Protein context (NP_060142.3, residues 877-897): QMEQLPSVQE[Trp887Arg]IVIAYIFTYA